The following is an entry in ClinVar:

ClinVar aggregate classification (germline): Likely pathogenic (1 of 4 stars; one submission).

Conditions:
Carnitine palmitoyltransferase II deficiency. Also called: Carnitine Palmitoyltransferase 2 Deficiency. Identifiers: Orphanet 157, MedGen C0342790, MONDO:0015515.

gnomAD v4.1: 2 of 1,614,196 alleles (0.00012%); highest among the groups gnomAD compares: Non-Finnish European, 0.00017%; no homozygotes.

Submission:

Natera, Inc.
Classification: Likely pathogenic for Carnitine palmitoyltransferase II deficiency. Last evaluated: 2024-05-28. Review status: criteria provided, single submitter. Criteria: Natera Variant Classification Schema (03/2026). Collection method: clinical testing. Allele origin: germline.
Comment: The c.615C>G variant in CPT2 is a nonsense variant predicted to introduce a stop codon at amino acid 205. This variant is expected to result in nonsense mediated decay, truncation, or a dysfunctional protein product. This variant is rare in the general population with a frequency below the threshold expected for the associated phenotype(s). Given the available evidence, this variant is classified as Likely Pathogenic.

NM_000098.3(CPT2):c.615C>G (p.Tyr205Ter)

Gene: CPT2 (carnitine palmitoyltransferase 2; plus strand). Cytogenetic location: 1p32.3.
Variant type: single nucleotide variant.
Coding change: c.615C>G on transcript NM_000098.3 (MANE Select); coding-DNA position 615, C replaced by G.
Protein change: p.Tyr205Ter; replaces tyrosine 205 with a stop codon.
Molecular consequence: nonsense.
Genome position (GRCh38, 1-based): chr1:53,210,289, C>G. VCF-style: chr1-53210289-C-G. GRCh37 (hg19) VCF-style: chr1-53675961-C-G.
Other names: c.615C>G, p.Tyr205Ter (NM_001330589.2); short protein forms Y205*.
Identifiers: ClinVar variation 4817422 (VCV004817422.1).
Genomic context (GRCh38, chr1:53,210,289, plus strand): 5'-TATCACCTTCAAGAGACTCATACGCTTTGTGCCTTCCTCTCTGTCCTGGTATGGGGCCTA[C>G]CTGGTCAATGCGTATCCCCTGGATATGTCCCAGTATTTTCGGCTTTTCAACTCAACTCGT-3'